The following is an entry in ClinVar:

ClinVar aggregate classification (germline): Uncertain significance (1 of 4 stars; one submission).

Submission:

Women's Health and Genetics/Laboratory Corporation of America, LabCorp
Classification: Uncertain significance. Last evaluated: 2026-02-09. Review status: criteria provided, single submitter. Criteria: LabCorp Variant Classification Summary - May 2015. Collection method: clinical testing. Allele origin: germline.
Comment: Variant summary: FMN2 c.3390_3422del33 (p.Gly1137_Pro1147del) results in an in-frame deletion that is predicted to remove 11 amino acids from the encoded protein. The frequency data for this variant in gnomAD is considered unreliable, as metrics indicate poor data quality at this position. To our knowledge, no occurrence of c.3390_3422del33 in individuals affected with FMN2-related conditions and no experimental evidence demonstrating its impact on protein function have been reported. No submitters have cited clinical-significance assessments for this variant to ClinVar. Based on the evidence outlined above, the variant was classified as uncertain significance.

NM_020066.5(FMN2):c.3390_3422del (p.1115GAGIPPPPPLP[2])

Gene: FMN2 (formin 2; plus strand). Cytogenetic location: 1q43.
Variant type: Deletion.
Coding change: c.3390_3422del on transcript NM_020066.5 (MANE Select); coding-DNA positions 3390 to 3422, 33 bases deleted.
Protein change: p.1115GAGIPPPPPLP[2].
Molecular consequence: intron variant (on NM_001348094.2).
Genome position (GRCh38, 1-based): chr1:240,208,202-240,208,234, 33 bases deleted; deleting any 33 consecutive bases within chr1:240,208,185-240,208,234 gives the same sequence; the c. name uses the placement nearest the transcript's 3' end. GRCh37 (hg19): chr1:240,371,502-240,371,534.
Other names: c.3402_3434del, p.1119GAGIPPPPPLP[2] (NM_001305424.2); c.1986+19940_1986+19972del (NM_001348094.2); c.3390_3422del33 (NM_020066.5).
Identifiers: ClinVar variation 4847979 (VCV004847979.1).
Genomic context (GRCh38, chr1:240,208,184, plus strand): 5'-AGTGGGCATACCTCCTCCGCCCCCTCTACCCGGAGCGGGCATACCCCCTCCTCCCCCTCT[ACCCGGAGCGGGCATACCCCCTCCTCCCCCTCTT>A]CCCGGAGCGGGCATACCTCCTCCACCCCCTCTACCCAGAGTGGGCATACCCCCTCCGCCC-3'